The following is an entry in ClinVar:

NM_001613.4(ACTA2):c.452C>A (p.Thr151Asn)

Gene: ACTA2 (actin alpha 2, smooth muscle; minus strand). Cytogenetic location: 10q23.31.
Variant type: single nucleotide variant.
Coding change: c.452C>A on transcript NM_001613.4 (MANE Select); coding-DNA position 452, C replaced by A.
Protein change: p.Thr151Asn; replaces threonine 151 with asparagine.
Molecular consequence: missense variant.
Genome position (GRCh38, 1-based): chr10:88,941,787, G>T on the plus strand (C>A on the coding strand, the complement: ACTA2 is on the minus strand). VCF-style: chr10-88941787-G-T. GRCh37 (hg19) VCF-style: chr10-90701544-G-T.
Other names: c.452C>A, p.Thr151Asn (NM_001141945.3, NM_001320855.2, NM_001406462.1 and 3 more transcripts); c.341C>A, p.Thr114Asn (NM_001406466.1); c.323C>A, p.Thr108Asn (NM_001406467.1, NM_001406468.1, NM_001406469.1); short protein forms T151N, T108N, T114N.
Identifiers: ClinVar variation 469084 (VCV000469084.10), dbSNP rs1554841360, ClinGen allele CA377512404.

ClinVar aggregate classification (germline): Uncertain significance (1 of 4 stars; one submission).

Conditions:
Aortic aneurysm, familial thoracic 6 (AAT6). Also called: FAMILIAL THORACIC AORTIC ANEURYSM WITH LIVEDO RETICULARIS AND IRIS FLOCCULI. Identifiers: MedGen C2673186, MONDO:0012730, OMIM 611788.

Submission:

Labcorp Genetics (formerly Invitae), Labcorp
Classification: Uncertain significance for Aortic aneurysm, familial thoracic 6. Last evaluated: 2017-07-22. Review status: criteria provided, single submitter. Criteria: Invitae Variant Classification Sherloc (09022015). Collection method: clinical testing. Allele origin: germline.
Comment: In summary, the available evidence is currently insufficient to determine the role of this variant in disease. Therefore, it has been classified as a Variant of Uncertain Significance. Algorithms developed to predict the effect of missense changes on protein structure and function (SIFT, PolyPhen-2, Align-GVGD) all suggest that this variant is likely to be disruptive, but these predictions have not been confirmed by published functional studies and their clinical significance is uncertain. This variant has not been reported in the literature in individuals with ACTA2-related disease. This variant is not present in population databases (ExAC no frequency). This sequence change replaces threonine with asparagine at codon 151 of the ACTA2 protein (p.Thr151Asn). The threonine residue is highly conserved and there is a small physicochemical difference between threonine and asparagine.